The following is an entry in ClinVar:

ClinVar aggregate classification (germline): Pathogenic (1 of 4 stars; one submission).

Conditions:
Autosomal recessive nonsyndromic hearing loss 8 (DFNB8). Also called: NEUROSENSORY NONSYNDROMIC RECESSIVE DEAFNESS 8; Deafness, autosomal recessive 10. Identifiers: Orphanet 90636, MedGen C1832827, MONDO:0010987, OMIM 601072.

gnomAD v4.1: 3 of 1,613,908 alleles (0.00019%); highest among the groups gnomAD compares: East Asian, 0.0045%; no homozygotes.

Submission:

Institute of Rare Diseases, West China Hospital, Sichuan University
Classification: Pathogenic for Autosomal recessive nonsyndromic hearing loss 8. Last evaluated: 2025-01-09. Review status: criteria provided, single submitter. Criteria: ClinGen HL ACMG Specifications v1. Collection method: research. Allele origin: germline. Affected: yes.
Comment: PVS1;PM3_Supporting;PM2_Supporting

NM_001256317.3(TMPRSS3):c.1345-2A>G

Gene: TMPRSS3 (transmembrane serine protease 3; minus strand). Cytogenetic location: 21q22.3.
Variant type: single nucleotide variant.
Coding change: c.1345-2A>G on transcript NM_001256317.3 (MANE Select); the canonical splice acceptor site of the intron before coding-DNA position 1345, A replaced by G.
Molecular consequence: splice acceptor variant.
Genome position (GRCh38, 1-based): chr21:42,372,781, T>C on the plus strand (A>G on the coding strand, the complement: TMPRSS3 is on the minus strand). VCF-style: chr21-42372781-T-C. GRCh37 (hg19) VCF-style: chr21-43792890-T-C.
Other names: c.1348-2A>G (NM_024022.4); c.967-2A>G (NM_032404.3).
Identifiers: ClinVar variation 3601934 (VCV003601934.1).